The following is an entry in ClinVar:

NM_000059.4(BRCA2):c.9225A>G (p.Ile3075Met)

Gene: BRCA2 (BRCA2 DNA repair associated; plus strand). Cytogenetic location: 13q13.1.
Variant type: single nucleotide variant.
Coding change: c.9225A>G on transcript NM_000059.4 (MANE Select); coding-DNA position 9225, A replaced by G.
Protein change: p.Ile3075Met; replaces isoleucine 3075 with methionine.
Molecular consequence: missense variant. On other transcripts: non-coding transcript variant (1).
Genome position (GRCh38, 1-based): chr13:32,380,114, A>G. VCF-style: chr13-32380114-A-G. GRCh37 (hg19) VCF-style: chr13-32954251-A-G.
Other names: c.9129A>G, p.Ile3043Met (NM_001406719.1); c.9174A>G, p.Ile3058Met (NM_001406720.1); c.4293A>G, p.Ile1431Met (NM_001406721.1); c.2808A>G, p.Ile936Met (NM_001406722.1); short protein forms I1431M, I3058M, I3075M, I936M, I3043M.
Identifiers: ClinVar variation 2751818 (VCV002751818.5), dbSNP rs2137625584, ClinGen allele CA387758495.

ClinVar aggregate classification (germline): Conflicting classifications of pathogenicity. Review status: criteria provided, conflicting classifications (1 of 4 stars). 2 submissions from 2 submitters: Uncertain significance (1); Likely benign (1). Last evaluated 2025-05-15.

Conditions:
Hereditary cancer-predisposing syndrome. Also called: Neoplastic Syndromes, Hereditary; Hereditary Cancer Syndrome; Tumor predisposition; Hereditary neoplastic syndrome. Identifiers: Orphanet 140162, MedGen C0027672, MeSH D009386, MONDO:0015356.
Hereditary breast ovarian cancer syndrome. Also called: Hereditary breast and ovarian cancer; Hereditary breast and ovarian cancer syndrome; Breast and ovarian cancer; BRCA1- and BRCA2-Associated Hereditary Breast and Ovarian Cancer; Hereditary breast and ovarian cancer syndrome (HBOC); Hereditary breast and/or ovarian cancer syndrome. Identifiers: Orphanet 145, MedGen C0677776, MeSH D061325, MONDO:0003582. Disease mechanism: loss of function.

Submissions (2):

Ambry Genetics
Classification: Likely benign for Hereditary cancer-predisposing syndrome. Last evaluated: 2025-05-15. Review status: criteria provided, single submitter. Criteria: Ambry Variant Classification Scheme 2023. Collection method: clinical testing. Allele origin: germline.

Labcorp Genetics (formerly Invitae), Labcorp
Classification: Uncertain significance for Hereditary breast ovarian cancer syndrome. Last evaluated: 2023-08-11. Review status: criteria provided, single submitter. Criteria: Invitae Variant Classification Sherloc (09022015). Collection method: clinical testing. Allele origin: germline.
Comment: This variant is not present in population databases (gnomAD no frequency). This sequence change replaces isoleucine, which is neutral and non-polar, with methionine, which is neutral and non-polar, at codon 3075 of the BRCA2 protein (p.Ile3075Met). This variant has not been reported in the literature in individuals affected with BRCA2-related conditions. In summary, the available evidence is currently insufficient to determine the role of this variant in disease. Therefore, it has been classified as a Variant of Uncertain Significance. Advanced modeling of protein sequence and biophysical properties (such as structural, functional, and spatial information, amino acid conservation, physicochemical variation, residue mobility, and thermodynamic stability) performed at Invitae indicates that this missense variant is not expected to disrupt BRCA2 protein function.